The following is an entry in ClinVar:

NM_001267550.2(TTN):c.37955-29C>T

Gene: TTN (titin; minus strand). Cytogenetic location: 2q31.2.
Variant type: single nucleotide variant.
Coding change: c.37955-29C>T on transcript NM_001267550.2 (MANE Select); 29 bases into the intron before coding-DNA position 37955, C replaced by T.
Molecular consequence: intron variant.
Genome position (GRCh38, 1-based): chr2:178,657,610, G>A on the plus strand (C>T on the coding strand, the complement: TTN is on the minus strand). VCF-style: chr2-178657610-G-A. GRCh37 (hg19) VCF-style: chr2-179522337-G-A.
Other names: c.13283-15293C>T (NM_003319.4); c.13859-15293C>T (NM_133437.4); c.13658-15293C>T (NM_133432.3); c.31741+1395C>T (NM_133378.4); c.34522+1395C>T (NM_001256850.1).
Identifiers: ClinVar variation 673000 (VCV000673000.2), dbSNP rs79253568, ClinGen allele CA1997216.

ClinVar aggregate classification (germline): Benign. Review status: criteria provided, multiple submitters, no conflicts (2 of 4 stars). 2 submissions from 2 submitters: Benign (2). Last evaluated 2018-06-18.

Allele frequency attached by ClinVar (database versions not stated): gnomAD exomes 0.02769 and 0.02299; gnomAD 0.11357; TOPMed 0.13118; 1000 Genomes Project 0.13658; 1000 Genomes Project 30x 0.14272; ExAC 0.00750.

Submissions (2):

GeneDx
Classification: Benign. Last evaluated: 2018-06-18. Review status: criteria provided, single submitter. Criteria: GeneDx Variant Classification (06012015). Collection method: clinical testing. Allele origin: germline. Affected: yes.
Comment: This variant is considered likely benign or benign based on one or more of the following criteria: it is a conservative change, it occurs at a poorly conserved position in the protein, it is predicted to be benign by multiple in silico algorithms, and/or has population frequency not consistent with disease.

Breakthrough Genomics
Classification: Benign. Review status: criteria provided, single submitter. Criteria: ACMG Guidelines, 2015. Collection method: not provided. Allele origin: germline. Inheritance: Autosomal recessive inheritance. Affected: yes.